The following is an entry in ClinVar:

NM_020433.5(JPH2):c.562C>T (p.Pro188Ser)

Gene: JPH2 (junctophilin 2; minus strand). Cytogenetic location: 20q13.12.
Variant type: single nucleotide variant.
Coding change: c.562C>T on transcript NM_020433.5 (MANE Select); coding-DNA position 562, C replaced by T.
Protein change: p.Pro188Ser; replaces proline 188 with serine.
Molecular consequence: missense variant.
Genome position (GRCh38, 1-based): chr20:44,160,225, G>A on the plus strand (C>T on the coding strand, the complement: JPH2 is on the minus strand). VCF-style: chr20-44160225-G-A. GRCh37 (hg19) VCF-style: chr20-42788865-G-A.
Other names: p.Pro188Ser; short protein forms P188S.
Identifiers: ClinVar variation 220441 (VCV000220441.40), dbSNP rs574746149, ClinGen allele CA349514.

ClinVar aggregate classification (germline): Benign/Likely benign. Review status: criteria provided, multiple submitters, no conflicts (2 of 4 stars). 13 submissions from 13 submitters: Benign (4); Likely benign (7). 2 of the submissions do not count toward it. Last evaluated 2026-03-23.

Conditions:
JPH2-related disorder. Also called: JPH2-related condition.
Cardiovascular phenotype. Identifiers: MedGen CN230736.
Cardiomyopathy (CMYO). Also called: Cardiomyopathies. Identifiers: Orphanet 167848, MedGen C0878544, MONDO:0004994, HP:0001638. Inheritance: Various modes of inheritance.
Hypertrophic cardiomyopathy 17. Identifiers: MedGen C3151264, MONDO:0013474, OMIM 613873.
Hypertrophic cardiomyopathy. Also called: HYPERTROPHIC MYOCARDIOPATHY. Identifiers: Orphanet 217569, MedGen C0007194, MeSH D002312, MONDO:0005045, HP:0001639.

Allele frequency attached by ClinVar (database versions not stated): ExAC 0.00029; gnomAD exomes 0.00042; gnomAD 0.00203 and 0.00214; TOPMed 0.00225; 1000 Genomes Project 0.00240; 1000 Genomes Project 30x 0.00281.

Submissions (13):

Women's Health and Genetics/Laboratory Corporation of America, LabCorp
Classification: Likely benign. Last evaluated: 2026-03-23. Review status: criteria provided, single submitter. Criteria: LabCorp Variant Classification Summary - May 2015. Collection method: clinical testing. Allele origin: germline.
Comment: Variant summary: JPH2 c.562C>T (p.Pro188Ser) results in a non-conservative amino acid change in the encoded protein sequence. Algorithms developed to predict the effect of missense changes on protein structure and function are either unavailable or do not agree on the potential impact of this missense change. The variant allele was found at a frequency of 0.00037 in 1483740 control chromosomes, predominantly at a frequency of 0.0068 within the African or African-American subpopulation in the gnomAD database, including 3 homozygotes. The observed variant frequency within African or African-American control individuals in the gnomAD database exceeds the estimated maximal expected allele frequency for disease-causing variants in JPH2. To our knowledge, no occurrence of c.562C>T in individuals affected with JPH2-related conditions and no experimental evidence demonstrating its impact on protein function have been reported. ClinVar contains an entry for this variant (Variation ID: 220441). Based on the evidence outlined above, the variant was classified as likely benign.

Labcorp Genetics (formerly Invitae), Labcorp
Classification: Benign for Hypertrophic cardiomyopathy. Last evaluated: 2026-01-27. Review status: criteria provided, single submitter. Criteria: Invitae Variant Classification Sherloc (09022015). Collection method: clinical testing. Allele origin: germline.

Molecular Diagnostic Laboratory for Inherited Cardiovascular Disease, Montreal Heart Institute
Classification: Likely benign. Last evaluated: 2025-04-09. Review status: criteria provided, single submitter. Criteria: ACMG Guidelines, 2015. Collection method: clinical testing. Allele origin: germline. Affected: no.

Blueprint Genetics
Classification: Likely benign. Last evaluated: 2024-11-13. Review status: criteria provided, single submitter. Criteria: ACMG Guidelines, 2015. Collection method: clinical testing. Allele origin: germline.

Mayo Clinic Laboratories, Mayo Clinic
Classification: Benign. Last evaluated: 2024-07-31. Review status: criteria provided, single submitter. Criteria: ACMG Guidelines, 2015. Collection method: clinical testing. Allele origin: germline. Observed: 5 variant alleles.
Comment: BS1, BS2, BP4

ARUP Laboratories, Molecular Genetics and Genomics, ARUP Laboratories
Classification: Benign. Last evaluated: 2024-06-21. Review status: criteria provided, single submitter. Criteria: ARUP Molecular Germline Variant Investigation Process 2024. Collection method: clinical testing. Allele origin: germline.

GeneDx
Classification: Likely benign. Last evaluated: 2020-09-11. Review status: criteria provided, single submitter. Criteria: GeneDx Variant Classification Process June 2021. Collection method: clinical testing. Allele origin: germline. Affected: yes.

Center for Advanced Laboratory Medicine, UC San Diego Health, University of California San Diego
Classification: Benign for Cardiomyopathy. Last evaluated: 2019-01-22. Review status: criteria provided, single submitter. Criteria: ACMG Guidelines, 2015. Collection method: clinical testing. Allele origin: germline. Affected: yes. Observed: 1 variant allele.

Ambry Genetics
Classification: Likely benign for Cardiovascular phenotype. Last evaluated: 2018-08-26. Review status: criteria provided, single submitter. Criteria: Ambry Variant Classification Scheme 2023. Collection method: clinical testing. Allele origin: germline.

Clinical Genetics DNA and cytogenetics Diagnostics Lab, Erasmus MC, Erasmus Medical Center
Classification: Likely benign for Hypertrophic cardiomyopathy 17. Last evaluated: 2017-05-31. Review status: criteria provided, single submitter. Criteria: ACGS Guidelines, 2013. Collection method: clinical testing. Allele origin: germline. Affected: yes. Study: VKGL Data-share Consensus.

Breakthrough Genomics
Classification: Likely benign. Review status: criteria provided, single submitter. Criteria: ACMG Guidelines, 2015. Collection method: not provided. Allele origin: germline. Inheritance: Autosomal recessive inheritance. Affected: yes.

PreventionGenetics, part of Exact Sciences
Classification: Benign for JPH2-related condition. Last evaluated: 2019-11-11. Review status: no assertion criteria provided. Collection method: clinical testing. Allele origin: germline. Not counted in ClinVar's aggregate classification.
Comment: This variant is classified as benign based on ACMG/AMP sequence variant interpretation guidelines (Richards et al. 2015 PMID: 25741868, with internal and published modifications).

Clinical Genetics, Academic Medical Center
Classification: Benign. Review status: no assertion criteria provided. Collection method: clinical testing. Allele origin: germline. Affected: yes. Study: VKGL Data-share Consensus. Not counted in ClinVar's aggregate classification.